The following is an entry in ClinVar:

NM_004092.4(ECHS1):c.619+136A>G

Gene: ECHS1 (enoyl-CoA hydratase, short chain 1; minus strand). Cytogenetic location: 10q26.3.
Variant type: single nucleotide variant.
Coding change: c.619+136A>G on transcript NM_004092.4 (MANE Select); 136 bases into the intron after coding-DNA position 619, A replaced by G.
Molecular consequence: intron variant.
Genome position (GRCh38, 1-based): chr10:133,366,753, T>C on the plus strand (A>G on the coding strand, the complement: ECHS1 is on the minus strand). VCF-style: chr10-133366753-T-C. GRCh37 (hg19) VCF-style: chr10-135180257-T-C.
Identifiers: ClinVar variation 676732 (VCV000676732.1), dbSNP rs115104600, ClinGen allele CA216816126.

ClinVar aggregate classification (germline): Benign (1 of 4 stars; one submission).

Allele frequency attached by ClinVar (database versions not stated): gnomAD 0.02490 and 0.02632; 1000 Genomes Project 0.03554; TOPMed 0.03720.
gnomAD v4.1: 3,874 of 604,122 alleles (0.64%); highest among the groups gnomAD compares: African/African-American, 7.6%; 200 homozygotes.

Submission:

GeneDx
Classification: Benign. Last evaluated: 2018-06-14. Review status: criteria provided, single submitter. Criteria: GeneDx Variant Classification (06012015). Collection method: clinical testing. Allele origin: germline. Affected: yes.
Comment: This variant is considered likely benign or benign based on one or more of the following criteria: it is a conservative change, it occurs at a poorly conserved position in the protein, it is predicted to be benign by multiple in silico algorithms, and/or has population frequency not consistent with disease.